The following is an entry in ClinVar:

NM_144997.7(FLCN):c.1176+1G>C

Gene: FLCN (folliculin; minus strand). Cytogenetic location: 17p11.2.
Variant type: single nucleotide variant.
Coding change: c.1176+1G>C on transcript NM_144997.7 (MANE Select); the canonical splice donor site of the intron after coding-DNA position 1176, G replaced by C.
Molecular consequence: splice donor variant.
Genome position (GRCh38, 1-based): chr17:17,217,068, C>G on the plus strand (G>C on the coding strand, the complement: FLCN is on the minus strand). VCF-style: chr17-17217068-C-G. GRCh37 (hg19) VCF-style: chr17-17120382-C-G.
Other names: c.1176+1G>C (NM_001353231.2, NM_001353230.2); c.1230+1G>C (NM_001353229.2).
Identifiers: ClinVar variation 1484309 (VCV001484309.10), dbSNP rs1555607929, ClinGen allele CA398532088.
Genomic context (GRCh38, chr17:17,217,068, plus strand): 5'-GACGCCAGGCACCAGGCCAATACTGCCCTGCGCCGCACACCTAAGGAAAAGATGTTCTCA[C>G]CCGAAGTACTTCAAAAGCTGACTGGACGAGGTCCACGTCTCTGCTTTTCCAGATCACCTG-3'

ClinVar aggregate classification (germline): Pathogenic/Likely pathogenic. Review status: criteria provided, multiple submitters, no conflicts (2 of 4 stars). 4 submissions from 4 submitters: Pathogenic (1); Likely pathogenic (3). Last evaluated 2025-10-21.

Conditions:
Birt-Hogg-Dube syndrome. Also called: Birt Hogg Dubé syndrome. Identifiers: Orphanet 122, MedGen C0346010, MONDO:0800444.
Hereditary cancer-predisposing syndrome. Also called: Neoplastic Syndromes, Hereditary; Tumor predisposition; Hereditary neoplastic syndrome; Hereditary Cancer Syndrome. Identifiers: Orphanet 140162, MedGen C0027672, MeSH D009386, MONDO:0015356.
Pneumothorax - familial.

Allele frequency attached by ClinVar (database versions not stated): gnomAD exomes below 0.00001.
gnomAD v4.1: 1 of 1,605,220 alleles (0.000062%); highest among the groups gnomAD compares: Non-Finnish European, 0.000085%; no homozygotes.

Submissions (4):

NHS Central & South Genomic Laboratory Hub
Classification: Likely pathogenic for Pneumothorax - familial. Last evaluated: 2025-10-21. Review status: criteria provided, single submitter. Criteria: ACMG Guidelines, 2015. Collection method: clinical testing. Allele origin: germline. Affected: yes.

GeneDx
Classification: Pathogenic. Last evaluated: 2023-10-27. Review status: criteria provided, single submitter. Criteria: GeneDx Variant Classification Process June 2021. Collection method: clinical testing. Allele origin: germline. Affected: yes.
Comment: Has not been previously published as pathogenic or benign to our knowledge; Canonical splice site variant predicted to result in a null allele in a gene for which loss of function is a known mechanism of disease; Not observed at significant frequency in large population cohorts (gnomAD)

Labcorp Genetics (formerly Invitae), Labcorp
Classification: Likely pathogenic for Birt-Hogg-Dube syndrome. Last evaluated: 2021-07-25. Review status: criteria provided, single submitter. Criteria: Invitae Variant Classification Sherloc (09022015). Collection method: clinical testing. Allele origin: germline.
Comment: In summary, the currently available evidence indicates that the variant is pathogenic, but additional data are needed to prove that conclusively. Therefore, this variant has been classified as Likely Pathogenic. Algorithms developed to predict the effect of sequence changes on RNA splicing suggest that this variant may disrupt the consensus splice site. This variant has not been reported in the literature in individuals affected with FLCN-related conditions. This variant is not present in population databases (ExAC no frequency). This sequence change affects a donor splice site in intron 10 of the FLCN gene. It is expected to disrupt RNA splicing. Variants that disrupt the donor or acceptor splice site typically lead to a loss of protein function (PMID: 16199547), and loss-of-function variants in FLCN are known to be pathogenic (PMID: 15852235).

Ambry Genetics
Classification: Likely pathogenic for Hereditary cancer-predisposing syndrome. Last evaluated: 2020-04-17. Review status: criteria provided, single submitter. Criteria: Ambry Variant Classification Scheme 2023. Collection method: clinical testing. Allele origin: germline.
Comment: The c.1176+1G>C intronic variant results from a G to C substitution one nucleotide after coding exon 7 of the FLCN gene. This nucleotide position is highly conserved in available vertebrate species. Using the BDGP and ESEfinder splice site prediction tools, this alteration is predicted to abolish the native splice donor site; however, direct evidence is unavailable. Alterations that disrupt the canonical splice site are expected to cause aberrant splicing, resulting in an abnormal protein or a transcript that is subject to nonsense-mediated mRNA decay. As such, this alteration is classified as likely pathogenic.

Literature cited by the submitters: PubMed 16199547 (cited by Labcorp Genetics (formerly Invitae), Labcorp); PubMed 15852235 (cited by Labcorp Genetics (formerly Invitae), Labcorp).